The following is an entry in ClinVar:

ClinVar aggregate classification (germline): Uncertain significance (1 of 4 stars; one submission).

Submission:

Labcorp Genetics (formerly Invitae), Labcorp
Classification: Uncertain significance. Last evaluated: 2022-03-09. Review status: criteria provided, single submitter. Criteria: Invitae Variant Classification Sherloc (09022015). Collection method: clinical testing. Allele origin: germline.
Comment: In summary, the available evidence is currently insufficient to determine the role of this variant in disease. Therefore, it has been classified as a Variant of Uncertain Significance. Algorithms developed to predict the effect of missense changes on protein structure and function (SIFT, PolyPhen-2, Align-GVGD) all suggest that this variant is likely to be tolerated. This variant has not been reported in the literature in individuals affected with RBP3-related conditions. This variant is not present in population databases (gnomAD no frequency). This sequence change replaces serine, which is neutral and polar, with asparagine, which is neutral and polar, at codon 1204 of the RBP3 protein (p.Ser1204Asn).

NM_002900.3(RBP3):c.3611G>A (p.Ser1204Asn)

Gene: RBP3 (retinol binding protein 3; plus strand). Cytogenetic location: 10q11.22.
Variant type: single nucleotide variant.
Coding change: c.3611G>A on transcript NM_002900.3 (MANE Select); coding-DNA position 3611, G replaced by A.
Protein change: p.Ser1204Asn; replaces serine 1204 with asparagine.
Molecular consequence: missense variant.
Genome position (GRCh38, 1-based): chr10:47,357,324, G>A. VCF-style: chr10-47357324-G-A. GRCh37 (hg19) VCF-style: chr10-48382038-C-T.
Other names: short protein forms S1204N.
Identifiers: ClinVar variation 1354376 (VCV001354376.6), dbSNP rs1449544937, ClinGen allele CA376677659.